The following is an entry in ClinVar:

ClinVar aggregate classification (germline): Uncertain significance. Review status: criteria provided, multiple submitters, no conflicts (2 of 4 stars). 3 submissions from 3 submitters: Uncertain significance (3). Last evaluated 2025-08-16.

Conditions:
Hereditary cancer-predisposing syndrome. Also called: Neoplastic Syndromes, Hereditary; Hereditary Cancer Syndrome; Tumor predisposition; Hereditary neoplastic syndrome. Identifiers: Orphanet 140162, MedGen C0027672, MeSH D009386, MONDO:0015356.

Allele frequency attached by ClinVar (database versions not stated): 1000 Genomes Project 30x 0.00016.
gnomAD v4.1: 19 of 1,613,422 alleles (0.0012%); highest among the groups gnomAD compares: East Asian, 0.042%; no homozygotes.

Submissions (3):

Mayo Clinic Laboratories, Mayo Clinic
Classification: Uncertain significance. Last evaluated: 2025-08-16. Review status: criteria provided, single submitter. Criteria: ACMG Guidelines, 2015. Collection method: clinical testing. Allele origin: germline. Observed: 1 variant allele.
Comment: PP3

Labcorp Genetics (formerly Invitae), Labcorp
Classification: Uncertain significance. Last evaluated: 2025-07-28. Review status: criteria provided, single submitter. Criteria: Invitae Variant Classification Sherloc (09022015). Collection method: clinical testing. Allele origin: germline.
Comment: This sequence change replaces arginine, which is basic and polar, with leucine, which is neutral and non-polar, at codon 454 of the MSH3 protein (p.Arg454Leu). This variant is present in population databases (rs144798521, gnomAD 0.01%). This variant has not been reported in the literature in individuals affected with MSH3-related conditions. ClinVar contains an entry for this variant (Variation ID: 943344). An algorithm developed to predict the effect of missense changes on protein structure and function (PolyPhen-2) suggests that this variant is likely to be disruptive. In summary, the available evidence is currently insufficient to determine the role of this variant in disease. Therefore, it has been classified as a Variant of Uncertain Significance.

Ambry Genetics
Classification: Uncertain significance for Hereditary cancer-predisposing syndrome. Last evaluated: 2024-04-29. Review status: criteria provided, single submitter. Criteria: Ambry Variant Classification Scheme 2023. Collection method: clinical testing. Allele origin: germline.
Comment: The p.R454L variant (also known as c.1361G>T), located in coding exon 9 of the MSH3 gene, results from a G to T substitution at nucleotide position 1361. The arginine at codon 454 is replaced by leucine, an amino acid with dissimilar properties. In one study, this alteration was detected in 1/1231 patients with colorectal cancer and 0/93 controls (DeRycke MS et al. Mol Genet Genomic Med, 2017 Sep;5:553-569). This amino acid position is highly conserved in available vertebrate species. In addition, this alteration is predicted to be deleterious by in silico analysis. Based on the available evidence, the clinical significance of this variant remains unclear.

Literature cited by the submitters: PubMed 28944238 (cited by Ambry Genetics).

NM_002439.5(MSH3):c.1361G>T (p.Arg454Leu)

Gene: MSH3 (mutS homolog 3; plus strand). Cytogenetic location: 5q14.1.
Variant type: single nucleotide variant.
Coding change: c.1361G>T on transcript NM_002439.5 (MANE Select); coding-DNA position 1361, G replaced by T.
Protein change: p.Arg454Leu; replaces arginine 454 with leucine.
Molecular consequence: missense variant.
Genome position (GRCh38, 1-based): chr5:80,725,473, G>T. VCF-style: chr5-80725473-G-T. GRCh37 (hg19) VCF-style: chr5-80021292-G-T.
Other names: p.Arg454Leu; short protein forms R454L.
Identifiers: ClinVar variation 943344 (VCV000943344.12), dbSNP rs144798521, ClinGen allele CA3327885.